The following is an entry in ClinVar:

ClinVar aggregate classification (germline): Uncertain significance (1 of 4 stars; one submission).

Conditions:
Hereditary cancer-predisposing syndrome. Also called: Hereditary neoplastic syndrome; Neoplastic Syndromes, Hereditary; Tumor predisposition; Hereditary Cancer Syndrome. Identifiers: Orphanet 140162, MedGen C0027672, MeSH D009386, MONDO:0015356.

Submission:

Ambry Genetics
Classification: Uncertain significance for Hereditary cancer-predisposing syndrome. Last evaluated: 2024-12-19. Review status: criteria provided, single submitter. Criteria: Ambry Variant Classification Scheme 2023. Collection method: clinical testing. Allele origin: germline.
Comment: The p.C362Y variant (also known as c.1085G>A), located in coding exon 4 of the BARD1 gene, results from a G to A substitution at nucleotide position 1085. The cysteine at codon 362 is replaced by tyrosine, an amino acid with highly dissimilar properties. This amino acid position is conserved. In addition, this alteration is predicted to be tolerated by in silico analysis. Based on the available evidence, the clinical significance of this variant remains unclear.

NM_000465.4(BARD1):c.1085G>A (p.Cys362Tyr)

Gene: BARD1 (BRCA1 associated RING domain 1; minus strand). Cytogenetic location: 2q35.
Variant type: single nucleotide variant.
Coding change: c.1085G>A on transcript NM_000465.4 (MANE Select); coding-DNA position 1085, G replaced by A.
Protein change: p.Cys362Tyr; replaces cysteine 362 with tyrosine.
Molecular consequence: missense variant. On other transcripts: non-coding transcript variant (2), intron variant (3).
Genome position (GRCh38, 1-based): chr2:214,780,789, C>T on the plus strand (G>A on the coding strand, the complement: BARD1 is on the minus strand). VCF-style: chr2-214780789-C-T. GRCh37 (hg19) VCF-style: chr2-215645513-C-T.
Other names: c.159-28234G>A (NM_001282548.2); c.215+16272G>A (NM_001282545.2); c.364+11508G>A (NM_001282549.2); c.1028G>A, p.Cys343Tyr (NM_001282543.2); short protein forms C343Y, C362Y.
Identifiers: ClinVar variation 3820453 (VCV003820453.1).